The following is an entry in ClinVar:

ClinVar aggregate classification (germline): Uncertain significance (1 of 4 stars; one submission).

Conditions:
SEMA3F-related disorder. Also called: SEMA3F-related condition.

gnomAD v4.1: 25 of 1,613,190 alleles (0.0015%); highest among the groups gnomAD compares: Admixed American, 0.0067%; no homozygotes.

Submission:

PreventionGenetics, part of Exact Sciences
Classification: Uncertain significance for SEMA3F-related condition. Last evaluated: 2026-04-22. Review status: criteria provided, single submitter. Criteria: ACMG Guidelines, 2015. Collection method: clinical testing. Allele origin: germline.
Comment: The SEMA3F c.860C>T variant is predicted to result in the amino acid substitution p.Pro287Leu. To our knowledge, this variant has not been reported in the literature. This variant is reported in 0.0087% of alleles in individuals of Latino descent in gnomAD. At this time, the clinical significance of this variant is uncertain due to the absence of conclusive functional and genetic evidence.

NM_004186.5(SEMA3F):c.860C>T (p.Pro287Leu)

Gene: SEMA3F (semaphorin 3F; plus strand). Cytogenetic location: 3p21.31.
Variant type: single nucleotide variant.
Coding change: c.860C>T on transcript NM_004186.5 (MANE Select); coding-DNA position 860, C replaced by T.
Protein change: p.Pro287Leu; replaces proline 287 with leucine.
Molecular consequence: missense variant.
Genome position (GRCh38, 1-based): chr3:50,182,740, C>T. VCF-style: chr3-50182740-C-T. GRCh37 (hg19) VCF-style: chr3-50220173-C-T.
Other names: c.563C>T, p.Pro188Leu (NM_001318798.2); c.767C>T, p.Pro256Leu (NM_001318800.2); short protein forms P188L, P287L, P256L.
Identifiers: ClinVar variation 4988106 (VCV004988106.1).